The following is an entry in ClinVar:

ClinVar aggregate classification (germline): Uncertain significance. Review status: criteria provided, multiple submitters, no conflicts (2 of 4 stars). 2 submissions from 2 submitters: Uncertain significance (2). Last evaluated 2025-06-12.

Allele frequency attached by ClinVar (database versions not stated): gnomAD 0.00001 and 0.00003; gnomAD exomes 0.00003; 1000 Genomes Project 30x 0.00047; 1000 Genomes Project 0.00060.
gnomAD v4.1: 19 of 1,614,018 alleles (0.0012%); highest among the groups gnomAD compares: African/African-American, 0.004%; no homozygotes.

Submissions (2):

Labcorp Genetics (formerly Invitae), Labcorp
Classification: Uncertain significance. Last evaluated: 2025-06-12. Review status: criteria provided, single submitter. Criteria: Invitae Variant Classification Sherloc (09022015). Collection method: clinical testing. Allele origin: germline.
Comment: This sequence change replaces valine, which is neutral and non-polar, with methionine, which is neutral and non-polar, at codon 756 of the LRP5 protein (p.Val756Met). This variant is present in population databases (rs138777930, gnomAD 0.02%). This variant has not been reported in the literature in individuals affected with LRP5-related conditions. ClinVar contains an entry for this variant (Variation ID: 1513133). Invitae Evidence Modeling of protein sequence and biophysical properties (such as structural, functional, and spatial information, amino acid conservation, physicochemical variation, residue mobility, and thermodynamic stability) has been performed for this missense variant. However, the output from this modeling did not meet the statistical confidence thresholds required to predict the impact of this variant on LRP5 protein function. In summary, the available evidence is currently insufficient to determine the role of this variant in disease. Therefore, it has been classified as a Variant of Uncertain Significance.

Blueprint Genetics
Classification: Uncertain significance. Last evaluated: 2023-07-03. Review status: criteria provided, single submitter. Criteria: ACMG Guidelines, 2015. Collection method: clinical testing. Allele origin: germline.

NM_002335.4(LRP5):c.2266G>A (p.Val756Met)

Gene: LRP5 (LDL receptor related protein 5; plus strand). Cytogenetic location: 11q13.2.
Variant type: single nucleotide variant.
Coding change: c.2266G>A on transcript NM_002335.4 (MANE Select); coding-DNA position 2266, G replaced by A.
Protein change: p.Val756Met; replaces valine 756 with methionine.
Molecular consequence: missense variant.
Genome position (GRCh38, 1-based): chr11:68,410,088, G>A. VCF-style: chr11-68410088-G-A. GRCh37 (hg19) VCF-style: chr11-68177556-G-A.
Other names: c.523G>A, p.Val175Met (NM_001291902.2); short protein forms V175M, V756M.
Identifiers: ClinVar variation 1513133 (VCV001513133.9), dbSNP rs138777930, ClinGen allele CA6149570.